The following is an entry in ClinVar:

NM_001171613.2(PREPL):c.143-3C>A

Gene: PREPL (prolyl endopeptidase like; minus strand). Cytogenetic location: 2p21.
Variant type: single nucleotide variant.
Coding change: c.143-3C>A on transcript NM_001171613.2 (MANE Select); 3 bases into the intron before coding-DNA position 143, C replaced by A.
Molecular consequence: intron variant.
Genome position (GRCh38, 1-based): chr2:44,343,954, G>T on the plus strand (C>A on the coding strand, the complement: PREPL is on the minus strand). VCF-style: chr2-44343954-G-T. GRCh37 (hg19) VCF-style: chr2-44571093-G-T.
Other names: c.143-3C>A (NM_001171617.1, NM_001374277.1); c.410-3C>A (NM_001171603.1, NM_001374275.1, NM_001374276.1 and 4 more transcripts).
Identifiers: ClinVar variation 2848669 (VCV002848669.3), dbSNP rs545943181, ClinGen allele CA1641587.

ClinVar aggregate classification (germline): Uncertain significance (1 of 4 stars; one submission).

Conditions:
Myasthenic syndrome, congenital, 22 (CMS22). Also called: PREPL DEFICIENCY. Identifiers: MedGen C4479088, MONDO:0044299, OMIM 616224.

Allele frequency attached by ClinVar (database versions not stated): ExAC 0.00001; gnomAD 0.00001; 1000 Genomes Project 30x 0.00016; 1000 Genomes Project 0.00020.

Submission:

Labcorp Genetics (formerly Invitae), Labcorp
Classification: Uncertain significance for Myasthenic syndrome, congenital, 22. Last evaluated: 2023-03-22. Review status: criteria provided, single submitter. Criteria: Invitae Variant Classification Sherloc (09022015). Collection method: clinical testing. Allele origin: germline.
Comment: This sequence change falls in intron 3 of the PREPL gene. It does not directly change the encoded amino acid sequence of the PREPL protein. It affects a nucleotide within the consensus splice site. This variant is present in population databases (rs545943181, gnomAD 0.003%). This variant has not been reported in the literature in individuals affected with PREPL-related conditions. Variants that disrupt the consensus splice site are a relatively common cause of aberrant splicing (PMID: 17576681, 9536098). Algorithms developed to predict the effect of sequence changes on RNA splicing suggest that this variant is not likely to affect RNA splicing. In summary, the available evidence is currently insufficient to determine the role of this variant in disease. Therefore, it has been classified as a Variant of Uncertain Significance.

Literature cited by the submitters: PubMed 17576681; PubMed 9536098.